The following is an entry in ClinVar:

ClinVar aggregate classification (germline): Pathogenic/Likely pathogenic. Review status: criteria provided, multiple submitters, no conflicts (2 of 4 stars). 2 submissions from 2 submitters: Pathogenic (1); Likely pathogenic (1). Last evaluated 2025-08-13.

Conditions:
PMS2-related disorder. Also called: PMS2-related condition.

Submissions (2):

GeneDx
Classification: Pathogenic. Last evaluated: 2025-08-13. Review status: criteria provided, single submitter. Criteria: GeneDx Variant Classification Process June 2021. Collection method: clinical testing. Allele origin: germline. Affected: yes.
Comment: Frameshift variant predicted to result in protein truncation or nonsense mediated decay in a gene for which loss of function is a known mechanism of disease; Truncating variants in this gene are considered pathogenic by a well-established clinical consortium and/or database; Not observed at significant frequency in large population cohorts (gnomAD); This variant is associated with the following publications: (PMID: 27806231, 27433846)

Blueprint Genetics
Classification: Likely pathogenic for PMS2-related disorders. Last evaluated: 2022-07-25. Review status: criteria provided, single submitter. Criteria: ACMG Guidelines, 2015. Collection method: clinical testing. Allele origin: germline. Affected: yes. Observed: 1 variant allele.

NM_000535.7(PMS2):c.202_212del (p.Val68fs)

Gene: PMS2 (PMS1 homolog 2, mismatch repair system component; minus strand). Cytogenetic location: 7p22.1.
Variant type: Deletion.
Coding change: c.202_212del on transcript NM_000535.7 (MANE Select); coding-DNA positions 202 to 212, 11 bases deleted (GTTTCAGACAA).
Protein change: p.Val68fs; shifts the reading frame from valine 68.
Molecular consequence: frameshift variant. On other transcripts: 5 prime UTR variant (44), non-coding transcript variant (1), intron variant (1).
Genome position (GRCh38, 1-based): chr7:6,004,010-6,004,020, TTGTCTGAAAC deleted on the plus strand (GTTTCAGACAA on the coding strand, the reverse complement: PMS2 is on the minus strand); deleting any 11 consecutive bases within chr7:6,004,010-6,004,022 gives the same sequence; the c. name uses the placement nearest the transcript's 3' end. VCF-style (leftmost placement, unchanged base first): chr7-6004009-ATTGTCTGAAAC-A. GRCh37 (hg19) VCF-style: chr7-6043640-ATTGTCTGAAAC-A.
Other names: c.200_210delAAGTTTCAGAC, p.Val68Trpfs (NM_000535.5); c.-204_-194del (NM_001322003.2, NM_001322004.2, NM_001322005.2 and 13 more transcripts); c.202_212del, p.Val68fs (NM_001322006.2, NM_001322014.2, NM_001406868.1 and 10 more transcripts); c.-14_-4del (NM_001322007.2, NM_001322008.2, NM_001406876.1 and 4 more transcripts); c.-683_-673del (NM_001322011.2, NM_001322012.2); c.-283_-273del (NM_001322015.2, NM_001406875.1, NM_001406877.1 and 3 more transcripts); c.388_398del, p.Val130fs (NM_001406866.1); c.-230_-220del (NM_001406880.1); and 4 more; short protein forms V130fs, V68fs.
Identifiers: ClinVar variation 4795375 (VCV004795375.2).